The following is an entry in ClinVar:

NM_001164508.2(NEB):c.11621T>C (p.Leu3874Pro)

Gene: NEB (nebulin; minus strand). Cytogenetic location: 2q23.3.
Variant type: single nucleotide variant.
Coding change: c.11621T>C on transcript NM_001164508.2 (MANE Select); coding-DNA position 11621, T replaced by C.
Protein change: p.Leu3874Pro; replaces leucine 3874 with proline.
Molecular consequence: missense variant.
Genome position (GRCh38, 1-based): chr2:151,612,370, A>G on the plus strand (T>C on the coding strand, the complement: NEB is on the minus strand). VCF-style: chr2-151612370-A-G. GRCh37 (hg19) VCF-style: chr2-152468884-A-G.
Other names: c.11621T>C, p.Leu3874Pro (NM_001164507.2, NM_001271208.2); c.10892T>C, p.Leu3631Pro (NM_004543.5); short protein forms L3874P, L3631P.
Identifiers: ClinVar variation 429691 (VCV000429691.6), dbSNP rs1131691534, ClinGen allele CA348780775.

ClinVar aggregate classification (germline): Uncertain significance. Review status: criteria provided, multiple submitters, no conflicts (2 of 4 stars). 2 submissions from 2 submitters: Uncertain significance (2). Last evaluated 2021-09-01.

Conditions:
Nemaline myopathy 2 (NEM2). Also called: Nemaline myopathy 2, autosomal recessive. Identifiers: MedGen C1850569, MONDO:0009725, OMIM 256030.

Allele frequency attached by ClinVar (database versions not stated): gnomAD exomes 0.00001.
gnomAD v4.1: 7 of 1,613,752 alleles (0.00043%); highest among the groups gnomAD compares: Non-Finnish European, 0.00059%; no homozygotes.

Submissions (2):

Labcorp Genetics (formerly Invitae), Labcorp
Classification: Uncertain significance for Nemaline myopathy 2. Last evaluated: 2021-09-01. Review status: criteria provided, single submitter. Criteria: Invitae Variant Classification Sherloc (09022015). Collection method: clinical testing. Allele origin: germline.
Comment: This sequence change replaces leucine with proline at codon 3874 of the NEB protein (p.Leu3874Pro). The leucine residue is moderately conserved and there is a moderate physicochemical difference between leucine and proline. This variant is not present in population databases (ExAC no frequency). This variant has not been reported in the literature in individuals affected with NEB-related conditions. ClinVar contains an entry for this variant (Variation ID: 429691). Algorithms developed to predict the effect of missense changes on protein structure and function are either unavailable or do not agree on the potential impact of this missense change (SIFT: "Deleterious"; PolyPhen-2: "Not Available"; Align-GVGD: "Class C0"). In summary, the available evidence is currently insufficient to determine the role of this variant in disease. Therefore, it has been classified as a Variant of Uncertain Significance.

GeneDx
Classification: Uncertain significance. Last evaluated: 2017-05-11. Review status: criteria provided, single submitter. Criteria: GeneDx Variant Classification (06012015). Collection method: clinical testing. Allele origin: germline. Affected: yes.
Comment: The L3874P variant has not been published as a pathogenic variant, nor has it been reported as a benign variant to our knowledge. The L3874P variant is not observed in large population cohorts (Lek et al., 2016; 1000 Genomes Consortium et al., 2015; Exome Variant Server). Missense variants in nearby residues have not been reported in the Human Gene Mutation Database in association with nemaline myopathy (Stenson et al., 2014). This substitution occurs at a position where amino acids with similar properties to Leucine are tolerated across species. However, this variant is a semi-conservative amino acid substitution, which may impact secondary protein structure as these residues differ in some properties. Additionally, in silico analysis predicts this variant is probably damaging to the protein structure/function.